The following is an entry in ClinVar:

NM_201384.3(PLEC):c.1419G>A (p.Arg473=)

Gene: PLEC (plectin; minus strand). Cytogenetic location: 8q24.3.
Variant type: single nucleotide variant.
Coding change: c.1419G>A on transcript NM_201384.3 (MANE Select); coding-DNA position 1419, G replaced by A.
Protein change: p.Arg473=; no amino-acid change (arginine 473 retained).
Molecular consequence: synonymous variant.
Genome position (GRCh38, 1-based): chr8:143,933,111, C>T on the plus strand (G>A on the coding strand, the complement: PLEC is on the minus strand). VCF-style: chr8-143933111-C-T. GRCh37 (hg19) VCF-style: chr8-145007279-C-T.
Other names: c.1377G>A, p.Arg459= (NM_201378.4); c.1500G>A, p.Arg500= (NM_000445.5, NM_001410941.1); c.1353G>A, p.Arg451= (NM_201379.3); c.1830G>A, p.Arg610= (NM_201380.4); c.1323G>A, p.Arg441= (NM_201381.3); c.1419G>A, p.Arg473= (NM_201382.4); c.1431G>A, p.Arg477= (NM_201383.3).
Identifiers: ClinVar variation 2935642 (VCV002935642.3), dbSNP rs782539369, ClinGen allele CA4927960.

ClinVar aggregate classification (germline): Uncertain significance (1 of 4 stars; one submission).

Conditions:
Epidermolysis bullosa simplex with nail dystrophy (EBS5D). Identifiers: MedGen C4225309, MONDO:0014661, OMIM 616487.
Epidermolysis bullosa simplex 5C, with pyloric atresia (EBS5C). Also called: PLEC-Related Epidermolysis Bullosa with Pyloric Atresia; Epidermolysis bullosa simplex with pyloric atresia; PLEC1-Related Epidermolysis Bullosa with Pyloric Atresia. Identifiers: Orphanet 158684, MedGen C2677349, MONDO:0012807, OMIM 612138.
Autosomal recessive limb-girdle muscular dystrophy type 2Q (LGMDR17). Also called: MUSCULAR DYSTROPHY, LIMB-GIRDLE, AUTOSOMAL RECESSIVE 17. Identifiers: Orphanet 254361, MedGen C3150989, MONDO:0013390, OMIM 613723.
Epidermolysis bullosa simplex, Ogna type (EBS5A). Also called: Pidermolysis bullosa simplex 5A, Ogna type; EPIDERMOLYSIS BULLOSA SIMPLEX 5A, OGNA TYPE. Identifiers: Orphanet 79401, MedGen C0432317, MONDO:0007555, OMIM 131950.
Epidermolysis bullosa simplex 5B, with muscular dystrophy (EBS5B). Also called: EPIDERMOLYSIS BULLOSA SIMPLEX AND LIMB-GIRDLE MUSCULAR DYSTROPHY; Epidermolysis bullosa simplex with muscular dystrophy. Identifiers: Orphanet 257, MedGen C2931072, MONDO:0009181, OMIM 226670.

Allele frequency attached by ClinVar (database versions not stated): gnomAD 0.00001; TOPMed 0.00001; ExAC 0.00002.

Submission:

Labcorp Genetics (formerly Invitae), Labcorp
Classification: Uncertain significance for Autosomal recessive limb-girdle muscular dystrophy type 2Q; Epidermolysis bullosa simplex, Ogna type; Epidermolysis bullosa simplex with nail dystrophy; Epidermolysis bullosa simplex 5C, with pyloric atresia; Epidermolysis bullosa simplex 5B, with muscular dystrophy. Last evaluated: 2024-03-04. Review status: criteria provided, single submitter. Criteria: Invitae Variant Classification Sherloc (09022015). Collection method: clinical testing. Allele origin: germline.
Comment: This sequence change affects codon 500 of the PLEC mRNA. It is a 'silent' change, meaning that it does not change the encoded amino acid sequence of the PLEC protein. It affects a nucleotide within the consensus splice site. The frequency data for this variant in the population databases is considered unreliable, as metrics indicate poor data quality at this position in the gnomAD database. This variant has not been reported in the literature in individuals affected with PLEC-related conditions. Algorithms developed to predict the effect of sequence changes on RNA splicing suggest that this variant may disrupt the consensus splice site. In summary, the available evidence is currently insufficient to determine the role of this variant in disease. Therefore, it has been classified as a Variant of Uncertain Significance.